The following is an entry in ClinVar:

NM_033305.3(VPS13A):c.3481G>C (p.Val1161Leu)

Gene: VPS13A (vacuolar protein sorting 13 homolog A; plus strand). Cytogenetic location: 9q21.2.
Variant type: single nucleotide variant.
Coding change: c.3481G>C on transcript NM_033305.3 (MANE Select); coding-DNA position 3481, G replaced by C.
Protein change: p.Val1161Leu; replaces valine 1161 with leucine.
Molecular consequence: missense variant.
Genome position (GRCh38, 1-based): chr9:77,293,482, G>C. VCF-style: chr9-77293482-G-C. GRCh37 (hg19) VCF-style: chr9-79908398-G-C.
Other names: c.3364G>C, p.Val1122Leu (NM_001018037.2); c.3481G>C, p.Val1161Leu (NM_001018038.3, NM_015186.4); c.3481G>C (NM_033305.2); short protein forms V1122L, V1161L.
Identifiers: ClinVar variation 2415582 (VCV002415582.3), dbSNP rs760341291, ClinGen allele CA5092259.

ClinVar aggregate classification (germline): Uncertain significance. Review status: criteria provided, multiple submitters, no conflicts (2 of 4 stars). 2 submissions from 2 submitters: Uncertain significance (2). Last evaluated 2025-04-28.

Conditions:
Inborn genetic diseases. Identifiers: MedGen C0950123, MeSH D030342.

Allele frequency attached by ClinVar (database versions not stated): gnomAD 0.00001; gnomAD exomes 0.00001; ExAC 0.00002.
gnomAD v4.1: 7 of 1,591,200 alleles (0.00044%); highest among the groups gnomAD compares: Admixed American, 0.012%; no homozygotes.

Submissions (2):

Ambry Genetics
Classification: Uncertain significance for Inborn genetic diseases. Last evaluated: 2025-04-28. Review status: criteria provided, single submitter. Criteria: Ambry Variant Classification Scheme 2023. Collection method: clinical testing. Allele origin: germline.

Labcorp Genetics (formerly Invitae), Labcorp
Classification: Uncertain significance. Last evaluated: 2022-07-05. Review status: criteria provided, single submitter. Criteria: Invitae Variant Classification Sherloc (09022015). Collection method: clinical testing. Allele origin: germline.
Comment: This sequence change replaces valine, which is neutral and non-polar, with leucine, which is neutral and non-polar, at codon 1161 of the VPS13A protein (p.Val1161Leu). This variant is present in population databases (rs760341291, gnomAD 0.01%). This variant has not been reported in the literature in individuals affected with VPS13A-related conditions. Algorithms developed to predict the effect of missense changes on protein structure and function (SIFT, PolyPhen-2, Align-GVGD) all suggest that this variant is likely to be tolerated. In summary, the available evidence is currently insufficient to determine the role of this variant in disease. Therefore, it has been classified as a Variant of Uncertain Significance.